The following is an entry in ClinVar:

NM_182931.3(KMT2E):c.2229T>G (p.Asn743Lys)

Gene: KMT2E (lysine methyltransferase 2E (inactive); plus strand). Cytogenetic location: 7q22.3.
Variant type: single nucleotide variant.
Coding change: c.2229T>G on transcript NM_182931.3 (MANE Select); coding-DNA position 2229, T replaced by G.
Protein change: p.Asn743Lys; replaces asparagine 743 with lysine.
Molecular consequence: missense variant.
Genome position (GRCh38, 1-based): chr7:105,105,471, T>G. VCF-style: chr7-105105471-T-G. GRCh37 (hg19) VCF-style: chr7-104745918-T-G.
Other names: c.2229T>G, p.Asn743Lys (NM_001410908.1, NM_018682.4); short protein forms N743K.
Identifiers: ClinVar variation 2626972 (VCV002626972.1), dbSNP rs1289060371, ClinGen allele CA368785828.

ClinVar aggregate classification (germline): Uncertain significance (1 of 4 stars; one submission).

Allele frequency attached by ClinVar (database versions not stated): gnomAD 0.00001; TOPMed 0.00001.
gnomAD v4.1: 5 of 1,607,404 alleles (0.00031%); highest among the groups gnomAD compares: Non-Finnish European, 0.00042%; no homozygotes.

Submission:

Greenwood Genetic Center Diagnostic Laboratories, Greenwood Genetic Center
Classification: Uncertain significance. Last evaluated: 2023-07-07. Review status: criteria provided, single submitter. Criteria: ACMG Guidelines, 2015. Collection method: clinical testing. Allele origin: germline. Affected: yes.
Comment: PM2